The following is an entry in ClinVar:

ClinVar aggregate classification (germline): Likely pathogenic (1 of 4 stars; one submission).

Conditions:
Duchenne muscular dystrophy (DMD). Also called: MUSCULAR DYSTROPHY, PSEUDOHYPERTROPHIC PROGRESSIVE, DUCHENNE TYPE; Duchenne Muscular Dystrophy (DMD). Identifiers: Orphanet 98896, MedGen C0013264, MONDO:0010679, OMIM 310200.

Submission:

Labcorp Genetics (formerly Invitae), Labcorp
Classification: Likely pathogenic for Duchenne muscular dystrophy. Last evaluated: 2021-10-13. Review status: criteria provided, single submitter. Criteria: Invitae Variant Classification Sherloc (09022015). Collection method: clinical testing. Allele origin: germline.
Comment: In summary, the currently available evidence indicates that the variant is pathogenic, but additional data are needed to prove that conclusively. Therefore, this variant has been classified as Likely Pathogenic. This variant has not been reported in the literature in individuals affected with DMD-related conditions. This variant results in the deletion of exon 50 and part of exon 51 of the DMD gene. It is expected to disrupt RNA splicing. Variants that disrupt the donor or acceptor splice site typically lead to a loss of protein function (PMID: 16199547), and loss-of-function variants in DMD are known to be pathogenic (PMID: 16770791, 25007885).

Literature cited by the submitters: PubMed 16199547; PubMed 16770791; PubMed 25007885.

NC_000023.10:g.(?_31792306)_(31846389_?)del

Gene: DMD (dystrophin; minus strand). Cytogenetic location: Xp21.1.
Variant type: Deletion.
Identifiers: ClinVar variation 1524048 (VCV001524048.5).